The following is an entry in ClinVar:

ClinVar aggregate classification (germline): Uncertain significance. Review status: criteria provided, multiple submitters, no conflicts (2 of 4 stars). 3 submissions from 3 submitters: Uncertain significance (3). Last evaluated 2024-12-28.

Conditions:
Hereditary cancer-predisposing syndrome. Also called: Tumor predisposition; Hereditary neoplastic syndrome; Neoplastic Syndromes, Hereditary; Hereditary Cancer Syndrome. Identifiers: Orphanet 140162, MedGen C0027672, MeSH D009386, MONDO:0015356.
Colorectal cancer, susceptibility to, 12 (CRCS12). Also called: COLORECTAL CANCER, SUSCEPTIBILITY TO, ON CHROMOSOME 12q24. Identifiers: Orphanet 220460, MedGen C3554460, MONDO:0014038, OMIM 615083.
Intrauterine growth retardation, metaphyseal dysplasia, adrenal hypoplasia congenita, genital anomalies, and immunodeficiency. Also called: IMAGEI SYNDROME. Identifiers: MedGen C5193036, MONDO:0032684, OMIM 618336.
Facial dysmorphism-immunodeficiency-livedo-short stature syndrome. Also called: FILS syndrome; Facial dysmorphism, immunodeficiency, livedo, and short stature. Identifiers: Orphanet 352712, MedGen C3554576, MONDO:0014058, OMIM 615139.

gnomAD v4.1: 1 of 1,614,058 alleles (0.000062%); highest among the groups gnomAD compares: Non-Finnish European, 0.000085%; no homozygotes.

Submissions (3):

Ambry Genetics
Classification: Uncertain significance for Hereditary cancer-predisposing syndrome. Last evaluated: 2024-12-28. Review status: criteria provided, single submitter. Criteria: Ambry Variant Classification Scheme 2023. Collection method: clinical testing. Allele origin: germline.
Comment: The p.V646M variant (also known as c.1936G>A), located in coding exon 18 of the POLE gene, results from a G to A substitution at nucleotide position 1936. The valine at codon 646 is replaced by methionine, an amino acid with highly similar properties. This amino acid position is conserved. In addition, the in silico prediction for this alteration is inconclusive. Based on the available evidence, the clinical significance of this variant remains unclear.

Labcorp Genetics (formerly Invitae), Labcorp
Classification: Uncertain significance. Last evaluated: 2024-05-15. Review status: criteria provided, single submitter. Criteria: Invitae Variant Classification Sherloc (09022015). Collection method: clinical testing. Allele origin: germline.
Comment: This sequence change replaces valine, which is neutral and non-polar, with methionine, which is neutral and non-polar, at codon 646 of the POLE protein (p.Val646Met). This variant is not present in population databases (gnomAD no frequency). This variant has not been reported in the literature in individuals affected with POLE-related conditions. ClinVar contains an entry for this variant (Variation ID: 847980). Advanced modeling of protein sequence and biophysical properties (such as structural, functional, and spatial information, amino acid conservation, physicochemical variation, residue mobility, and thermodynamic stability) has been performed at Invitae for this missense variant, however the output from this modeling did not meet the statistical confidence thresholds required to predict the impact of this variant on POLE protein function. In summary, the available evidence is currently insufficient to determine the role of this variant in disease. Therefore, it has been classified as a Variant of Uncertain Significance.

Fulgent Genetics
Classification: Uncertain significance for Colorectal cancer, susceptibility to, 12; Facial dysmorphism-immunodeficiency-livedo-short stature syndrome; Intrauterine growth retardation, metaphyseal dysplasia, adrenal hypoplasia congenita, genital anomalies, and immunodeficiency. Last evaluated: 2024-02-28. Review status: criteria provided, single submitter. Criteria: ACMG Guidelines, 2015. Collection method: clinical testing. Allele origin: germline.

NM_006231.4(POLE):c.1936G>A (p.Val646Met)

Gene: POLE (DNA polymerase epsilon, catalytic subunit; minus strand). Cytogenetic location: 12q24.33.
Variant type: single nucleotide variant.
Coding change: c.1936G>A on transcript NM_006231.4 (MANE Select); coding-DNA position 1936, G replaced by A.
Protein change: p.Val646Met; replaces valine 646 with methionine.
Molecular consequence: missense variant.
Genome position (GRCh38, 1-based): chr12:132,668,725, C>T on the plus strand (G>A on the coding strand, the complement: POLE is on the minus strand). VCF-style: chr12-132668725-C-T. GRCh37 (hg19) VCF-style: chr12-133245311-C-T.
Other names: c.1936G>A (NM_006231.2); short protein forms V646M.
Identifiers: ClinVar variation 847980 (VCV000847980.9), dbSNP rs2042855097, ClinGen allele CA387355228.